The following is an entry in ClinVar:

ClinVar aggregate classification (germline): Uncertain significance (1 of 4 stars; one submission).

Conditions:
PKD1-related disorder. Also called: PKD1-related condition.

Submission:

PreventionGenetics, part of Exact Sciences
Classification: Uncertain significance for PKD1-related condition. Last evaluated: 2026-01-30. Review status: criteria provided, single submitter. Criteria: ACMG Guidelines, 2015. Collection method: clinical testing. Allele origin: germline.
Comment: The PKD1 c.5251A>T variant is predicted to result in the amino acid substitution p.Thr1751Ser. To our knowledge, this variant has not been reported in the literature. This variant is reported in 0.0055% of alleles in individuals of East Asian descent in gnomAD. At this time, the clinical significance of this variant is uncertain due to the absence of conclusive functional and genetic evidence.

NM_001009944.3(PKD1):c.5251A>T (p.Thr1751Ser)

Gene: PKD1 (polycystin 1, transient receptor potential channel interacting; minus strand). Cytogenetic location: 16p13.3.
Variant type: single nucleotide variant.
Coding change: c.5251A>T on transcript NM_001009944.3 (MANE Select); coding-DNA position 5251, A replaced by T.
Protein change: p.Thr1751Ser; replaces threonine 1751 with serine.
Molecular consequence: missense variant.
Genome position (GRCh38, 1-based): chr16:2,109,916, T>A on the plus strand (A>T on the coding strand, the complement: PKD1 is on the minus strand). VCF-style: chr16-2109916-T-A. GRCh37 (hg19) VCF-style: chr16-2159917-T-A.
Other names: c.5251A>T, p.Thr1751Ser (NM_000296.4); short protein forms T1751S.
Identifiers: ClinVar variation 4995431 (VCV004995431.1).